The following is an entry in ClinVar:

NM_019098.5(CNGB3):c.2269A>G (p.Thr757Ala)

Gene: CNGB3 (cyclic nucleotide gated channel subunit beta 3; minus strand). Cytogenetic location: 8q21.3.
Variant type: single nucleotide variant.
Coding change: c.2269A>G on transcript NM_019098.5 (MANE Select); coding-DNA position 2269, A replaced by G.
Protein change: p.Thr757Ala; replaces threonine 757 with alanine.
Molecular consequence: missense variant.
Genome position (GRCh38, 1-based): chr8:86,575,965, T>C on the plus strand (A>G on the coding strand, the complement: CNGB3 is on the minus strand). VCF-style: chr8-86575965-T-C. GRCh37 (hg19) VCF-style: chr8-87588193-T-C.
Other names: short protein forms T757A.
Identifiers: ClinVar variation 2149655 (VCV002149655.1), dbSNP rs745975709, ClinGen allele CA4799761.
Genomic context (GRCh38, chr8:86,575,965, plus strand): 5'-TGGGTAAAACTGTCCTTCTAACTGAGTGGGGTTCTTCCTCCACTGCAATAGGACTTGCTG[T>C]ACATTCAGGTCTGTCCAGTGGCTTCTCTTCTGGCTCTCTTCCTTTATCTTTATCTTCATT-3'
Protein context (NP_061971.3, residues 747-767): EEKPLDRPEC[Thr757Ala]ASPIAVEEEP

ClinVar aggregate classification (germline): Uncertain significance (1 of 4 stars; one submission).

Allele frequency attached by ClinVar (database versions not stated): ExAC 0.00001; gnomAD 0.00001; TOPMed 0.00002.
gnomAD v4.1: 7 of 1,614,088 alleles (0.00043%); highest among the groups gnomAD compares: Non-Finnish European, 0.00059%; no homozygotes.

Submission:

Labcorp Genetics (formerly Invitae), Labcorp
Classification: Uncertain significance. Last evaluated: 2022-02-04. Review status: criteria provided, single submitter. Criteria: Invitae Variant Classification Sherloc (09022015). Collection method: clinical testing. Allele origin: germline.
Comment: This sequence change replaces threonine, which is neutral and polar, with alanine, which is neutral and non-polar, at codon 757 of the CNGB3 protein (p.Thr757Ala). This variant is present in population databases (rs745975709, gnomAD 0.002%). This variant has not been reported in the literature in individuals affected with CNGB3-related conditions. Advanced modeling of protein sequence and biophysical properties (such as structural, functional, and spatial information, amino acid conservation, physicochemical variation, residue mobility, and thermodynamic stability) performed at Invitae indicates that this missense variant is not expected to disrupt CNGB3 protein function. In summary, the available evidence is currently insufficient to determine the role of this variant in disease. Therefore, it has been classified as a Variant of Uncertain Significance.